The following is an entry in ClinVar:

ClinVar aggregate classification (germline): Conflicting classifications of pathogenicity. Review status: criteria provided, conflicting classifications (1 of 4 stars). 5 submissions from 5 submitters: Uncertain significance (4); Likely benign (1). Last evaluated 2025-01-06.

Conditions:
Werner syndrome (WRN). Identifiers: Orphanet 902, MedGen C0043119, MONDO:0010196, OMIM 277700.
Inborn genetic diseases. Identifiers: MedGen C0950123, MeSH D030342.

Allele frequency attached by ClinVar (database versions not stated): gnomAD exomes 0.00003 and 0.00008; ExAC 0.00009; TOPMed 0.00015; gnomAD 0.00019; 1000 Genomes Project 30x 0.00031; 1000 Genomes Project 0.00040.
gnomAD v4.1: 69 of 1,611,114 alleles (0.0043%); highest among the groups gnomAD compares: African/African-American, 0.044%; no homozygotes.

Submissions (5):

Labcorp Genetics (formerly Invitae), Labcorp
Classification: Uncertain significance for Werner syndrome. Last evaluated: 2025-01-06. Review status: criteria provided, single submitter. Criteria: Invitae Variant Classification Sherloc (09022015). Collection method: clinical testing. Allele origin: germline.
Comment: This sequence change replaces arginine, which is basic and polar, with tryptophan, which is neutral and slightly polar, at codon 279 of the WRN protein (p.Arg279Trp). This variant is present in population databases (rs199923241, gnomAD 0.04%). This variant has not been reported in the literature in individuals affected with WRN-related conditions. ClinVar contains an entry for this variant (Variation ID: 528108). An algorithm developed to predict the effect of missense changes on protein structure and function (PolyPhen-2) suggests that this variant¬†is likely to be tolerated. In summary, the available evidence is currently insufficient to determine the role of this variant in disease. Therefore, it has been classified as a Variant of Uncertain Significance.

3billion
Classification: Likely benign for Werner syndrome. Last evaluated: 2024-09-20. Review status: criteria provided, single submitter. Criteria: ACMG Guidelines, 2015. Collection method: clinical testing. Allele origin: germline. Affected: no.
Comment: The homozygous variant was found in patients diagnosed with another variant in a different gene, with no symptoms related to the gene containing the homozygous variant.

Ambry Genetics
Classification: Uncertain significance for Inborn genetic diseases. Last evaluated: 2024-01-19. Review status: criteria provided, single submitter. Criteria: Ambry Variant Classification Scheme 2023. Collection method: clinical testing. Allele origin: germline.

Revvity Omics, Revvity
Classification: Uncertain significance for Werner syndrome. Last evaluated: 2023-04-20. Review status: criteria provided, single submitter. Criteria: ACMG Guidelines, 2015. Collection method: clinical testing. Allele origin: germline.

Baylor Genetics
Classification: Uncertain significance for Werner syndrome. Last evaluated: 2019-10-11. Review status: criteria provided, single submitter. Criteria: ACMG Guidelines, 2015. Collection method: clinical testing. Allele origin: unknown. Affected: yes. Study: CSER-TexasKidsCanSeq.
Comment: This variant was determined to be of uncertain significance according to ACMG Guidelines, 2015 [PMID:25741868].

NM_000553.6(WRN):c.835C>T (p.Arg279Trp)

Gene: WRN (WRN RecQ like helicase; plus strand). Cytogenetic location: 8p12.
Variant type: single nucleotide variant.
Coding change: c.835C>T on transcript NM_000553.6 (MANE Select); coding-DNA position 835, C replaced by T.
Protein change: p.Arg279Trp; replaces arginine 279 with tryptophan.
Molecular consequence: missense variant.
Genome position (GRCh38, 1-based): chr8:31,076,283, C>T. VCF-style: chr8-31076283-C-T. GRCh37 (hg19) VCF-style: chr8-30933799-C-T.
Other names: short protein forms R279W.
Identifiers: ClinVar variation 528108 (VCV000528108.12), dbSNP rs199923241, ClinGen allele CA4704170.